The following is an entry in ClinVar:

ClinVar aggregate classification (germline): Uncertain significance. Review status: criteria provided, multiple submitters, no conflicts (2 of 4 stars). 3 submissions from 3 submitters: Uncertain significance (3). Last evaluated 2025-02-12.

Conditions:
Hereditary cancer-predisposing syndrome. Also called: Neoplastic Syndromes, Hereditary; Hereditary Cancer Syndrome; Hereditary neoplastic syndrome; Tumor predisposition. Identifiers: Orphanet 140162, MedGen C0027672, MeSH D009386, MONDO:0015356.
Gastrointestinal stromal tumor. Also called: Gastrointestinal stromal tumor, somatic; Gastrointestinal stroma tumor. Identifiers: Orphanet 44890, MedGen C0238198, MeSH D046152, MONDO:0011719, OMIM 606764, HP:0100723.

gnomAD v4.1: 5 of 1,613,632 alleles (0.00031%); highest among the groups gnomAD compares: South Asian, 0.0033%; no homozygotes.

Submissions (3):

Labcorp Genetics (formerly Invitae), Labcorp
Classification: Uncertain significance for Gastrointestinal stromal tumor. Last evaluated: 2025-02-12. Review status: criteria provided, single submitter. Criteria: Invitae Variant Classification Sherloc (09022015). Collection method: clinical testing. Allele origin: germline.
Comment: This sequence change replaces leucine, which is neutral and non-polar, with phenylalanine, which is neutral and non-polar, at codon 702 of the KIT protein (p.Leu702Phe). This variant is not present in population databases (gnomAD no frequency). This variant has not been reported in the literature in individuals affected with KIT-related conditions. ClinVar contains an entry for this variant (Variation ID: 1011454). An algorithm developed to predict the effect of missense changes on protein structure and function (PolyPhen-2) suggests that this variant is likely to be disruptive. In summary, the available evidence is currently insufficient to determine the role of this variant in disease. Therefore, it has been classified as a Variant of Uncertain Significance.

GeneDx
Classification: Uncertain significance. Last evaluated: 2024-05-29. Review status: criteria provided, single submitter. Criteria: GeneDx Variant Classification Process June 2021. Collection method: clinical testing. Allele origin: germline. Affected: yes.
Comment: Not observed at significant frequency in large population cohorts (gnomAD); In silico analysis indicates that this missense variant does not alter protein structure/function; Has not been previously published as pathogenic or benign to our knowledge

Ambry Genetics
Classification: Uncertain significance for Hereditary cancer-predisposing syndrome. Last evaluated: 2024-05-16. Review status: criteria provided, single submitter. Criteria: Ambry Variant Classification Scheme 2023. Collection method: clinical testing. Allele origin: germline.
Comment: The p.L702F variant (also known as c.2104C>T), located in coding exon 14 of the KIT gene, results from a C to T substitution at nucleotide position 2104. The leucine at codon 702 is replaced by phenylalanine, an amino acid with highly similar properties. This amino acid position is conserved. In addition, this alteration is predicted to be tolerated by in silico analysis. Since supporting evidence is limited at this time, the clinical significance of this alteration remains unclear.

NM_000222.3(KIT):c.2104C>T (p.Leu702Phe)

Gene: KIT (KIT proto-oncogene, receptor tyrosine kinase; plus strand). Cytogenetic location: 4q12.
Variant type: single nucleotide variant.
Coding change: c.2104C>T on transcript NM_000222.3 (MANE Select); coding-DNA position 2104, C replaced by T.
Protein change: p.Leu702Phe; replaces leucine 702 with phenylalanine.
Molecular consequence: missense variant.
Genome position (GRCh38, 1-based): chr4:54,729,448, C>T. VCF-style: chr4-54729448-C-T. GRCh37 (hg19) VCF-style: chr4-55595614-C-T.
Other names: c.2092C>T, p.Leu698Phe (NM_001093772.2, NM_001385286.1); c.2107C>T, p.Leu703Phe (NM_001385284.1, NM_001385290.1); c.2104C>T, p.Leu702Phe (NM_001385285.1); c.2095C>T, p.Leu699Phe (NM_001385288.1, NM_001385292.1); short protein forms L698F, L699F, L702F, L703F.
Identifiers: ClinVar variation 1011454 (VCV001011454.11), dbSNP rs768847037, ClinGen allele CA356909763.